The following is an entry in ClinVar:

ClinVar aggregate classification (germline): Benign/Likely benign. Review status: criteria provided, multiple submitters, no conflicts (2 of 4 stars). 5 submissions from 5 submitters: Benign (1); Likely benign (4). Last evaluated 2025-03-24.

Conditions:
Hereditary cancer-predisposing syndrome. Also called: Tumor predisposition; Neoplastic Syndromes, Hereditary; Hereditary Cancer Syndrome; Hereditary neoplastic syndrome. Identifiers: Orphanet 140162, MedGen C0027672, MeSH D009386, MONDO:0015356.
Peutz-Jeghers syndrome (PJS). Also called: POLYPOSIS, HAMARTOMATOUS INTESTINAL; POLYPS-AND-SPOTS SYNDROME; Peutz-Jeghers polyposis; Periorificial lentiginosis syndrome. Identifiers: Orphanet 2869, MedGen C0031269, MeSH D010580, MONDO:0008280, OMIM 175200.

Allele frequency attached by ClinVar (database versions not stated): gnomAD exomes below 0.00001.
gnomAD v4.1: 1 of 1,612,954 alleles (0.000062%); highest among the groups gnomAD compares: Non-Finnish European, 0.000085%; no homozygotes.

Submissions (5):

Myriad Genetics, Inc.
Classification: Benign for Peutz-Jeghers syndrome. Last evaluated: 2025-03-24. Review status: criteria provided, single submitter. Criteria: Myriad Autosomal Dominant, Autosomal Recessive and X-Linked Classification Criteria (2023). Collection method: clinical testing. Allele origin: unknown.
Comment: This variant is considered benign. This variant is a silent/synonymous amino acid change and it is not expected to impact splicing.

Labcorp Genetics (formerly Invitae), Labcorp
Classification: Likely benign for Peutz-Jeghers syndrome. Last evaluated: 2024-10-12. Review status: criteria provided, single submitter. Criteria: Invitae Variant Classification Sherloc (09022015). Collection method: clinical testing. Allele origin: germline.

All of Us Research Program, National Institutes of Health
Classification: Likely benign for Peutz-Jeghers syndrome. Last evaluated: 2024-04-25. Review status: criteria provided, single submitter. Criteria: ACMG Guidelines, 2015. Collection method: clinical testing. Allele origin: germline. Inheritance: Autosomal dominant inheritance. Observed: 1 variant allele, 1 heterozygote.
Comment: This study involves interpretation of variants in research participants for the purpose of population health screening. Participant phenotype was not available at the time of variant classification. Additional details can be found in publication PMID: 35346344, PMCID: PMC8962531

Color Diagnostics, LLC DBA Color Health
Classification: Likely benign for Hereditary cancer-predisposing syndrome. Last evaluated: 2024-02-14. Review status: criteria provided, single submitter. Criteria: ACMG Guidelines, 2015. Collection method: clinical testing. Allele origin: germline.

Ambry Genetics
Classification: Likely benign for Hereditary cancer-predisposing syndrome. Last evaluated: 2016-08-02. Review status: criteria provided, single submitter. Criteria: Ambry Variant Classification Scheme 2023. Collection method: clinical testing. Allele origin: germline.

NM_000455.5(STK11):c.75C>T (p.Phe25=)

Gene: STK11 (serine/threonine kinase 11; plus strand). Cytogenetic location: 19p13.3.
Variant type: single nucleotide variant.
Coding change: c.75C>T on transcript NM_000455.5 (MANE Select); coding-DNA position 75, C replaced by T.
Protein change: p.Phe25=; no amino-acid change (phenylalanine 25 retained).
Molecular consequence: synonymous variant.
Genome position (GRCh38, 1-based): chr19:1,206,988, C>T. VCF-style: chr19-1206988-C-T. GRCh37 (hg19) VCF-style: chr19-1206987-C-T.
Identifiers: ClinVar variation 486992 (VCV000486992.16), dbSNP rs1466484547, ClinGen allele CA504706097.
Genomic context (GRCh38, chr19:1,206,988, plus strand): 5'-CCCGCAGCAGCTGGGCATGTTCACGGAGGGCGAGCTGATGTCGGTGGGTATGGACACGTT[C>T]ATCCACCGCATCGACTCCACCGAGGTCATCTACCAGCCGCGCCGCAAGCGGGCCAAGCTC-3'
Protein context (NP_000446.1, residues 15-35): GELMSVGMDT[Phe25=]IHRIDSTEVI